The following is an entry in ClinVar:

ClinVar aggregate classification (germline): Benign/Likely benign. Review status: criteria provided, multiple submitters, no conflicts (2 of 4 stars). 6 submissions from 6 submitters: Benign (1); Likely benign (4). 1 of the submissions does not count toward it. Last evaluated 2026-09-08.

Conditions:
TECPR2-related disorder. Also called: TECPR2-related condition.
Hereditary spastic paraplegia 49 (HSAN9). Also called: TECPR2-Related Hereditary Sensory and Autonomic Neuropathy with Intellectual Disability; Spastic paraplegia 49, autosomal recessive; NEUROPATHY, HEREDITARY SENSORY AND AUTONOMIC, TYPE IX, WITH DEVELOPMENTAL DELAY. Identifiers: Orphanet 320385, MedGen C5190860, MONDO:0014016, OMIM 615031.
Hereditary spastic paraplegia. Also called: Familial spastic paraparesis. Identifiers: Orphanet 685, MedGen C0037773, MONDO:0019064. Disease mechanism: loss of function.

Allele frequency attached by ClinVar (database versions not stated): TOPMed 0.00002; 1000 Genomes Project 30x 0.00031; 1000 Genomes Project 0.00040.
gnomAD v4.1: 567 of 1,613,746 alleles (0.035%); highest among the groups gnomAD compares: South Asian, 0.59%; 9 homozygotes.

Submissions (6):

PreventionGenetics, part of Exact Sciences
Classification: Likely benign for TECPR2-related condition. Last evaluated: 2026-09-08. Review status: criteria provided, single submitter. Criteria: ACMG Guidelines, 2015. Collection method: clinical testing. Allele origin: germline.
Comment: This variant is classified as likely benign based on ACMG/AMP sequence variant interpretation guidelines (Richards et al. 2015 PMID: 25741868, with internal and published modifications).

CeGaT Center for Human Genetics Tuebingen
Classification: Likely benign. Last evaluated: 2026-07-01. Review status: criteria provided, single submitter. Criteria: CeGaT Center For Human Genetics Tuebingen Variant Classification Criteria Version 2. Collection method: clinical testing. Allele origin: germline. Affected: yes. Observed: 1 variant allele.
Comment: TECPR2: BP4, BP7

Labcorp Genetics (formerly Invitae), Labcorp
Classification: Benign for Hereditary spastic paraplegia 49. Last evaluated: 2026-01-28. Review status: criteria provided, single submitter. Criteria: Invitae Variant Classification Sherloc (09022015). Collection method: clinical testing. Allele origin: germline.

Blueprint Genetics
Classification: Likely benign. Last evaluated: 2024-10-25. Review status: criteria provided, single submitter. Criteria: ACMG Guidelines, 2015. Collection method: clinical testing. Allele origin: germline.

Genome Diagnostics Laboratory, The Hospital for Sick Children
Classification: Likely benign for Hereditary spastic paraplegia. Last evaluated: 2019-03-01. Review status: criteria provided, single submitter. Criteria: ACMG Guidelines, 2015. Collection method: clinical testing. Allele origin: germline. Affected: yes.

Natera, Inc.
Classification: Uncertain significance for Autosomal recessive spastic paraplegia type 49. Last evaluated: 2020-01-24. Review status: no assertion criteria provided. Collection method: clinical testing. Allele origin: germline. Not counted in ClinVar's aggregate classification.

NM_014844.5(TECPR2):c.3474G>T (p.Ser1158=)

Gene: TECPR2 (tectonin beta-propeller repeat containing 2; plus strand). Cytogenetic location: 14q32.31.
Variant type: single nucleotide variant.
Coding change: c.3474G>T on transcript NM_014844.5 (MANE Select); coding-DNA position 3474, G replaced by T.
Protein change: p.Ser1158=; no amino-acid change (serine 1158 retained).
Molecular consequence: synonymous variant.
Genome position (GRCh38, 1-based): chr14:102,452,461, G>T. VCF-style: chr14-102452461-G-T. GRCh37 (hg19) VCF-style: chr14-102918798-G-T.
Other names: c.3474G>T, p.Ser1158= (NM_001172631.3); c.3474G>T (NM_014844.4).
Identifiers: ClinVar variation 695728 (VCV000695728.22), dbSNP rs376646346, ClinGen allele CA7358254.